The following is an entry in ClinVar:

ClinVar aggregate classification (germline): Uncertain significance. Review status: criteria provided, single submitter (1 of 4 stars). 2 submissions from 2 submitters: Uncertain significance (1). 1 of the submissions does not count toward it. Last evaluated 2019-05-30.

Conditions:
Hermansky-Pudlak syndrome (HPS). Also called: ALBINISM WITH HEMORRHAGIC DIATHESIS AND PIGMENTED RETICULOENDOTHELIAL CELLS. Identifiers: Orphanet 79430, MedGen C0079504, MONDO:0019312.

Allele frequency attached by ClinVar (database versions not stated): gnomAD exomes below 0.00001; TOPMed below 0.00001; gnomAD 0.00001.
gnomAD v4.1: 6 of 1,613,848 alleles (0.00037%); highest among the groups gnomAD compares: East Asian, 0.0022%; no homozygotes.

Submissions (2):

GeneDx
Classification: Uncertain significance. Last evaluated: 2019-05-30. Review status: criteria provided, single submitter. Criteria: GeneDx Variant Classification Process June 2021. Collection method: clinical testing. Allele origin: germline. Affected: yes.
Comment: Not observed in large population cohorts (Lek et al., 2016); In silico analysis, which includes protein predictors and evolutionary conservation, supports a deleterious effect; This variant is associated with the following publications: (PMID: 17933573)

Natera, Inc.
Classification: Uncertain significance for Hermansky-Pudlak syndrome. Last evaluated: 2020-06-30. Review status: no assertion criteria provided. Collection method: clinical testing. Allele origin: germline. Not counted in ClinVar's aggregate classification.

NM_000195.5(HPS1):c.1645C>T (p.Arg549Cys)

Gene: HPS1 (HPS1 biogenesis of lysosomal organelles complex 3 subunit 1; minus strand). Cytogenetic location: 10q24.2.
Variant type: single nucleotide variant.
Coding change: c.1645C>T on transcript NM_000195.5 (MANE Select); coding-DNA position 1645, C replaced by T.
Protein change: p.Arg549Cys; replaces arginine 549 with cysteine.
Molecular consequence: missense variant.
Genome position (GRCh38, 1-based): chr10:98,422,467, G>A on the plus strand (C>T on the coding strand, the complement: HPS1 is on the minus strand). VCF-style: chr10-98422467-G-A. GRCh37 (hg19) VCF-style: chr10-100182224-G-A.
Other names: c.673C>T, p.Arg225Cys (NM_001311345.2, NM_001322487.2, NM_001322489.2); c.1645C>T, p.Arg549Cys (NM_001322476.2, NM_001322477.2); c.1546C>T, p.Arg516Cys (NM_001322478.2, NM_001322479.2); c.1384C>T, p.Arg462Cys (NM_001322480.2, NM_001322481.2); c.1285C>T, p.Arg429Cys (NM_001322482.2); c.1276C>T, p.Arg426Cys (NM_001322483.2, NM_001322484.2); c.1177C>T, p.Arg393Cys (NM_001322485.2); short protein forms R225C, R393C, R426C, R429C, R462C, R516C, R549C.
Identifiers: ClinVar variation 1202737 (VCV001202737.4), dbSNP rs747984964, ClinGen allele CA212760832.
Genomic context (GRCh38, chr10:98,422,467, plus strand): 5'-ACTCCGACGAGGTCTTTTGACTGCAGTTGAGGGAAGGCGCCACCATCTGCCCAGTGGTGC[G>A]GTCCACATAGATGAAGTGCACCAAGCCTGGGAAGTCTTCTAGGTAGGTGAAGGTCTGAGT-3'
Protein context (NP_000186.2, residues 539-559): PGLVHFIYVD[Arg549Cys]TTGQMVAPSL